The following is an entry in ClinVar:

ClinVar aggregate classification (germline): Uncertain significance. Review status: criteria provided, multiple submitters, no conflicts (2 of 4 stars). 2 submissions from 2 submitters: Uncertain significance (2). Last evaluated 2024-11-27.

Conditions:
Hereditary cancer-predisposing syndrome. Also called: Hereditary Cancer Syndrome; Hereditary neoplastic syndrome; Neoplastic Syndromes, Hereditary; Tumor predisposition. Identifiers: Orphanet 140162, MedGen C0027672, MeSH D009386, MONDO:0015356.
Hereditary nonpolyposis colorectal neoplasms. Identifiers: MedGen C0009405, MeSH D003123.

Submissions (2):

Labcorp Genetics (formerly Invitae), Labcorp
Classification: Uncertain significance for Hereditary nonpolyposis colorectal neoplasms. Last evaluated: 2024-11-27. Review status: criteria provided, single submitter. Criteria: Invitae Variant Classification Sherloc (09022015). Collection method: clinical testing. Allele origin: germline.
Comment: This sequence change replaces proline, which is neutral and non-polar, with serine, which is neutral and polar, at codon 771 of the PMS2 protein (p.Pro771Ser). The frequency data for this variant in the population databases (gnomAD) is considered unreliable due to the presence of homologous sequence, such as pseudogenes or paralogs, in the genome. This variant has not been reported in the literature in individuals affected with PMS2-related conditions. ClinVar contains an entry for this variant (Variation ID: 1446600). Invitae Evidence Modeling of protein sequence and biophysical properties (such as structural, functional, and spatial information, amino acid conservation, physicochemical variation, residue mobility, and thermodynamic stability) indicates that this missense variant is expected to disrupt PMS2 protein function with a positive predictive value of 80%. Algorithms developed to predict the effect of sequence changes on RNA splicing suggest that this variant may create or strengthen a splice site. In summary, the available evidence is currently insufficient to determine the role of this variant in disease. Therefore, it has been classified as a Variant of Uncertain Significance.

Ambry Genetics
Classification: Uncertain significance for Hereditary cancer-predisposing syndrome. Last evaluated: 2019-05-17. Review status: criteria provided, single submitter. Criteria: Ambry Variant Classification Scheme 2023. Collection method: clinical testing. Allele origin: germline.
Comment: The p.P771S variant (also known as c.2311C>T), located in coding exon 14 of the PMS2 gene, results from a C to T substitution at nucleotide position 2311. The proline at codon 771 is replaced by serine, an amino acid with similar properties. This amino acid position is highly conserved in available vertebrate species. In addition, this alteration is predicted to be deleterious by in silico analysis. Since supporting evidence is limited at this time, the clinical significance of this alteration remains unclear.

NM_000535.7(PMS2):c.2311C>T (p.Pro771Ser)

Gene: PMS2 (PMS1 homolog 2, mismatch repair system component; minus strand). Cytogenetic location: 7p22.1.
Variant type: single nucleotide variant.
Coding change: c.2311C>T on transcript NM_000535.7 (MANE Select); coding-DNA position 2311, C replaced by T.
Protein change: p.Pro771Ser; replaces proline 771 with serine.
Molecular consequence: missense variant.
Genome position (GRCh38, 1-based): chr7:5,977,722, G>A on the plus strand (C>T on the coding strand, the complement: PMS2 is on the minus strand). VCF-style: chr7-5977722-G-A. GRCh37 (hg19) VCF-style: chr7-6017353-G-A.
Other names: c.1906C>T, p.Pro636Ser (NM_001322003.2, NM_001322004.2, NM_001322005.2); c.2155C>T, p.Pro719Ser (NM_001322006.2); c.1993C>T, p.Pro665Ser (NM_001322007.2, NM_001322008.2); c.1939C>T, p.Pro647Ser (NM_001322009.2); c.1750C>T, p.Pro584Ser (NM_001322010.2); c.1378C>T, p.Pro460Ser (NM_001322011.2, NM_001322012.2); c.1738C>T, p.Pro580Ser (NM_001322013.2); c.2344C>T, p.Pro782Ser (NM_001322014.2); and 1 more; short protein forms P647S, P584S, P636S, P668S, P719S, P771S, P782S, P460S.
Identifiers: ClinVar variation 1446600 (VCV001446600.10), dbSNP rs2128675272, ClinGen allele CA366736042.